The following is an entry in ClinVar:

NM_006059.4(LAMC3):c.3554A>C (p.Asn1185Thr)

Gene: LAMC3 (laminin subunit gamma 3; plus strand). Cytogenetic location: 9q34.12.
Variant type: single nucleotide variant.
Coding change: c.3554A>C on transcript NM_006059.4 (MANE Select); coding-DNA position 3554, A replaced by C.
Protein change: p.Asn1185Thr; replaces asparagine 1185 with threonine.
Molecular consequence: missense variant.
Genome position (GRCh38, 1-based): chr9:131,075,890, A>C. VCF-style: chr9-131075890-A-C. GRCh37 (hg19) VCF-style: chr9-133951277-A-C.
Other names: short protein forms N1185T.
Identifiers: ClinVar variation 3686656 (VCV003686656.2).

ClinVar aggregate classification (germline): Uncertain significance (1 of 4 stars; one submission).

gnomAD v4.1: 1 of 1,612,524 alleles (0.000062%); highest among the groups gnomAD compares: African/African-American, 0.0013%; no homozygotes.

Submission:

Labcorp Genetics (formerly Invitae), Labcorp
Classification: Uncertain significance. Last evaluated: 2024-10-10. Review status: criteria provided, single submitter. Criteria: Invitae Variant Classification Sherloc (09022015). Collection method: clinical testing. Allele origin: germline.
Comment: This sequence change replaces asparagine, which is neutral and polar, with threonine, which is neutral and polar, at codon 1185 of the LAMC3 protein (p.Asn1185Thr). This variant is present in population databases (no rsID available, gnomAD 0.01%). This variant has not been reported in the literature in individuals affected with LAMC3-related conditions. An algorithm developed to predict the effect of missense changes on protein structure and function (PolyPhen-2) suggests that this variant is likely to be tolerated. In summary, the available evidence is currently insufficient to determine the role of this variant in disease. Therefore, it has been classified as a Variant of Uncertain Significance.